The following is an entry in ClinVar:

ClinVar aggregate classification (germline): Uncertain significance (1 of 4 stars; one submission).

Submission:

Labcorp Genetics (formerly Invitae), Labcorp
Classification: Uncertain significance. Last evaluated: 2024-10-06. Review status: criteria provided, single submitter. Criteria: Invitae Variant Classification Sherloc (09022015). Collection method: clinical testing. Allele origin: germline.
Comment: This sequence change replaces leucine, which is neutral and non-polar, with proline, which is neutral and non-polar, at codon 279 of the PRDM5 protein (p.Leu279Pro). This variant is not present in population databases (gnomAD no frequency). This variant has not been reported in the literature in individuals affected with PRDM5-related conditions. An algorithm developed to predict the effect of missense changes on protein structure and function (PolyPhen-2) suggests that this variant is likely to be disruptive. In summary, the available evidence is currently insufficient to determine the role of this variant in disease. Therefore, it has been classified as a Variant of Uncertain Significance.

NM_018699.4(PRDM5):c.836T>C (p.Leu279Pro)

Gene: PRDM5 (PR/SET domain 5; minus strand). Cytogenetic location: 4q27.
Variant type: single nucleotide variant.
Coding change: c.836T>C on transcript NM_018699.4 (MANE Select); coding-DNA position 836, T replaced by C.
Protein change: p.Leu279Pro; replaces leucine 279 with proline.
Molecular consequence: missense variant.
Genome position (GRCh38, 1-based): chr4:120,816,482, A>G on the plus strand (T>C on the coding strand, the complement: PRDM5 is on the minus strand). VCF-style: chr4-120816482-A-G. GRCh37 (hg19) VCF-style: chr4-121737637-A-G.
Other names: c.743T>C, p.Leu248Pro (NM_001300823.2, NM_001300824.2, NM_001379106.1); c.836T>C, p.Leu279Pro (NM_001379104.1); short protein forms L248P, L279P.
Identifiers: ClinVar variation 3673130 (VCV003673130.2).